The following is an entry in ClinVar:

NM_004171.4(SLC1A2):c.456G>T (p.Gln152His)

Gene: SLC1A2 (solute carrier family 1 member 2; minus strand). Cytogenetic location: 11p13.
Variant type: single nucleotide variant.
Coding change: c.456G>T on transcript NM_004171.4 (MANE Select); coding-DNA position 456, G replaced by T.
Protein change: p.Gln152His; replaces glutamine 152 with histidine.
Molecular consequence: missense variant.
Genome position (GRCh38, 1-based): chr11:35,312,303, C>A on the plus strand (G>T on the coding strand, the complement: SLC1A2 is on the minus strand). VCF-style: chr11-35312303-C-A. GRCh37 (hg19) VCF-style: chr11-35333850-C-A.
Other names: c.429G>T, p.Gln143His (NM_001195728.3, NM_001252652.2, NM_001439341.1); c.444G>T, p.Gln148His (NM_001439342.1); c.456G>T, p.Gln152His (NM_001439343.1); short protein forms Q143H, Q148H, Q152H.
Identifiers: ClinVar variation 4738467 (VCV004738467.1).

ClinVar aggregate classification (germline): Uncertain significance (1 of 4 stars; one submission).

gnomAD v4.1: 12 of 1,614,178 alleles (0.00074%); highest among the groups gnomAD compares: Non-Finnish European, 0.001%; no homozygotes.

Submission:

Labcorp Genetics (formerly Invitae), Labcorp
Classification: Uncertain significance. Last evaluated: 2025-11-27. Review status: criteria provided, single submitter. Criteria: Invitae Variant Classification Sherloc (09022015). Collection method: clinical testing. Allele origin: germline.
Comment: This sequence change replaces glutamine, which is neutral and polar, with histidine, which is basic and polar, at codon 152 of the SLC1A2 protein (p.Gln152His). This variant is present in population databases (rs778666459, gnomAD 0.002%). This variant has not been reported in the literature in individuals affected with SLC1A2-related conditions. Invitae Evidence Modeling of protein sequence and biophysical properties (such as structural, functional, and spatial information, amino acid conservation, physicochemical variation, residue mobility, and thermodynamic stability) indicates that this missense variant is not expected to disrupt SLC1A2 protein function with a negative predictive value of 80%. In summary, the available evidence is currently insufficient to determine the role of this variant in disease. Therefore, it has been classified as a Variant of Uncertain Significance.